The following is an entry in ClinVar:

NM_201596.3(CACNB2):c.1930A>G (p.Lys644Glu)

Gene: CACNB2 (calcium voltage-gated channel auxiliary subunit beta 2; plus strand). Cytogenetic location: 10p12.31.
Variant type: single nucleotide variant.
Coding change: c.1930A>G on transcript NM_201596.3 (MANE Select); coding-DNA position 1930, A replaced by G.
Protein change: p.Lys644Glu; replaces lysine 644 with glutamic acid.
Molecular consequence: missense variant.
Genome position (GRCh38, 1-based): chr10:18,539,671, A>G. VCF-style: chr10-18539671-A-G. GRCh37 (hg19) VCF-style: chr10-18828600-A-G.
Other names: c.1765A>G, p.Lys589Glu (NM_000724.4); c.1732A>G, p.Lys578Glu (NM_001167945.2); c.1651A>G, p.Lys551Glu (NM_001330060.2); c.1672A>G, p.Lys558Glu (NM_001410882.1); c.1786A>G, p.Lys596Glu (NM_201570.3); c.1846A>G, p.Lys616Glu (NM_201571.4); c.1774A>G, p.Lys592Glu (NM_201572.4); c.1768A>G, p.Lys590Glu (NM_201590.3); and 2 more; short protein forms K551E, K558E, K578E, K589E, K590E, K592E, K596E, K606E.
Identifiers: ClinVar variation 4868126 (VCV004868126.1).

ClinVar aggregate classification (germline): Uncertain significance (1 of 4 stars; one submission).

Conditions:
Cardiovascular phenotype. Identifiers: MedGen CN230736.

Submission:

Ambry Genetics
Classification: Uncertain significance for Cardiovascular phenotype. Last evaluated: 2026-04-23. Review status: criteria provided, single submitter. Criteria: Ambry Variant Classification Scheme 2023. Collection method: clinical testing. Allele origin: germline.
Comment: The p.K590E variant (also known as c.1768A>G), located in coding exon 13 of the CACNB2 gene, results from an A to G substitution at nucleotide position 1768. The lysine at codon 590 is replaced by glutamic acid, an amino acid with similar properties. This amino acid position is conserved. In addition, the in silico prediction for this alteration is inconclusive. Based on the available evidence, the clinical significance of this variant remains unclear.